The following is an entry in ClinVar:

NM_002067.5(GNA11):c.496C>T (p.Arg166Cys)

Gene: GNA11 (G protein subunit alpha 11; plus strand). Cytogenetic location: 19p13.3.
Variant type: single nucleotide variant.
Coding change: c.496C>T on transcript NM_002067.5 (MANE Select); coding-DNA position 496, C replaced by T.
Protein change: p.Arg166Cys; replaces arginine 166 with cysteine.
Molecular consequence: missense variant.
Genome position (GRCh38, 1-based): chr19:3,114,963, C>T. VCF-style: chr19-3114963-C-T. GRCh37 (hg19) VCF-style: chr19-3114961-C-T.
Other names: short protein forms R166C.
Identifiers: ClinVar variation 3356450 (VCV003356450.3).

ClinVar aggregate classification (germline): Uncertain significance. Review status: criteria provided, multiple submitters, no conflicts (2 of 4 stars). 3 submissions from 3 submitters: Uncertain significance (2). 1 of the submissions does not count toward it. Last evaluated 2026-01-13.

Conditions:
GNA11-related disorder. Also called: GNA11-related condition.

Submissions (3):

Labcorp Genetics (formerly Invitae), Labcorp
Classification: Uncertain significance. Last evaluated: 2026-01-13. Review status: criteria provided, single submitter. Criteria: Invitae Variant Classification Sherloc (09022015). Collection method: clinical testing. Allele origin: germline.
Comment: This sequence change replaces arginine, which is basic and polar, with cysteine, which is neutral and slightly polar, at codon 166 of the GNA11 protein (p.Arg166Cys). This variant is not present in population databases (gnomAD no frequency). This variant has not been reported in the literature in individuals affected with GNA11-related conditions. ClinVar contains an entry for this variant (Variation ID: 3356450). Invitae Evidence Modeling of protein sequence and biophysical properties (such as structural, functional, and spatial information, amino acid conservation, physicochemical variation, residue mobility, and thermodynamic stability) indicates that this missense variant is expected to disrupt GNA11 protein function with a positive predictive value of 80%. In summary, the available evidence is currently insufficient to determine the role of this variant in disease. Therefore, it has been classified as a Variant of Uncertain Significance.

Blueprint Genetics
Classification: Uncertain significance. Last evaluated: 2023-05-02. Review status: criteria provided, single submitter. Criteria: ACMG Guidelines, 2015. Collection method: clinical testing. Allele origin: germline.

PreventionGenetics, part of Exact Sciences
Classification: Uncertain significance for GNA11-related condition. Last evaluated: 2024-04-15. Review status: no assertion criteria provided. Collection method: clinical testing. Allele origin: germline. Not counted in ClinVar's aggregate classification.
Comment: The GNA11 c.496C>T variant is predicted to result in the amino acid substitution p.Arg166Cys. This variant was reported as a somatic variant in a patient with uveal melanoma (Zhang et al. 2019. PubMed ID: 35693877). This variant has not been reported in a large population database, indicating this variant is rare. At this time, the clinical significance of this variant is uncertain due to the absence of conclusive functional and genetic evidence.